The following is an entry in ClinVar:

NM_001365693.1(MGAM):c.7713A>G (p.Ala2571=)

Gene: MGAM (maltase-glucoamylase; plus strand). Cytogenetic location: 7q34.
Variant type: single nucleotide variant.
Coding change: c.7713A>G on transcript NM_001365693.1 (MANE Select); coding-DNA position 7713, A replaced by G.
Protein change: p.Ala2571=; no amino-acid change (alanine 2571 retained).
Molecular consequence: synonymous variant.
Genome position (GRCh38, 1-based): chr7:142,097,613, A>G. VCF-style: chr7-142097613-A-G. GRCh37 (hg19) VCF-style: chr7-141797413-A-G.
Other names: c.5025A>G, p.Ala1675= (NM_004668.3).
Identifiers: ClinVar variation 3350944 (VCV003350944.1).

ClinVar aggregate classification (germline): Likely benign (0 of 4 stars; one submission).

Conditions:
MGAM-related disorder. Also called: MGAM-related condition.

gnomAD v4.1: 43 of 1,612,816 alleles (0.0027%); highest among the groups gnomAD compares: Non-Finnish European, 0.0035%; no homozygotes.

Submission:

PreventionGenetics, part of Exact Sciences
Classification: Likely benign for MGAM-related condition. Last evaluated: 2024-07-17. Review status: no assertion criteria provided. Collection method: clinical testing. Allele origin: germline.
Comment: This variant is classified as likely benign based on ACMG/AMP sequence variant interpretation guidelines (Richards et al. 2015 PMID: 25741868, with internal and published modifications).